The following is an entry in ClinVar:

NM_170606.3(KMT2C):c.903A>C (p.Lys301Asn)

Gene: KMT2C (lysine methyltransferase 2C; minus strand). Cytogenetic location: 7q36.1.
Variant type: single nucleotide variant.
Coding change: c.903A>C on transcript NM_170606.3 (MANE Select); coding-DNA position 903, A replaced by C.
Protein change: p.Lys301Asn; replaces lysine 301 with asparagine.
Molecular consequence: missense variant.
Genome position (GRCh38, 1-based): chr7:152,273,814, T>G on the plus strand (A>C on the coding strand, the complement: KMT2C is on the minus strand). VCF-style: chr7-152273814-T-G. GRCh37 (hg19) VCF-style: chr7-151970899-T-G.
Other names: short protein forms K301N.
Identifiers: ClinVar variation 4851354 (VCV004851354.1).

ClinVar aggregate classification (germline): Likely benign (1 of 4 stars; one submission).

Conditions:
Kleefstra syndrome 2 (KLEFS2). Identifiers: MedGen C4540395, MONDO:0054701, OMIM 617768.

Submission:

Centre for Medical Genetics,  Mumbai
Classification: Likely benign for Kleefstra syndrome 2. Last evaluated: 2026-04-11. Review status: criteria provided, single submitter. Criteria: ACMG Guidelines, 2015. Collection method: provider interpretation. Allele origin: germline. Inheritance: Autosomal dominant inheritance. Affected: no. Observed: 1 variant allele, 1 heterozygote.
Comment: The variant satisfies PM2 criteria - extremely low frequency in gnomAD population databases. However, the variant satisfies BS2 criteria - present in heterozygous state in an individual that clinically does not have Kleefstra syndrome.

Literature cited by the submitters: PubMed 22726846.